The following is an entry in ClinVar:

ClinVar aggregate classification (germline): Uncertain significance (1 of 4 stars; one submission).

Conditions:
Cardiovascular phenotype. Identifiers: MedGen CN230736.

Submission:

Ambry Genetics
Classification: Uncertain significance for Cardiovascular phenotype. Last evaluated: 2024-09-30. Review status: criteria provided, single submitter. Criteria: Ambry Variant Classification Scheme 2023. Collection method: clinical testing. Allele origin: germline.
Comment: The p.Y106C variant (also known as c.317A>G), located in coding exon 1 of the JPH2 gene, results from an A to G substitution at nucleotide position 317. The tyrosine at codon 106 is replaced by cysteine, an amino acid with highly dissimilar properties. This amino acid position is conserved. In addition, this alteration is predicted to be deleterious by in silico analysis. Based on the available evidence, the clinical significance of this variant remains unclear.

NM_020433.5(JPH2):c.317A>G (p.Tyr106Cys)

Gene: JPH2 (junctophilin 2; minus strand). Cytogenetic location: 20q13.12.
Variant type: single nucleotide variant.
Coding change: c.317A>G on transcript NM_020433.5 (MANE Select); coding-DNA position 317, A replaced by G.
Protein change: p.Tyr106Cys; replaces tyrosine 106 with cysteine.
Molecular consequence: missense variant.
Genome position (GRCh38, 1-based): chr20:44,186,389, T>C on the plus strand (A>G on the coding strand, the complement: JPH2 is on the minus strand). VCF-style: chr20-44186389-T-C. GRCh37 (hg19) VCF-style: chr20-42815029-T-C.
Other names: c.317A>G, p.Tyr106Cys (NM_175913.4); short protein forms Y106C.
Identifiers: ClinVar variation 3531486 (VCV003531486.1).